The following is an entry in ClinVar:

NM_000540.3(RYR1):c.5734G>A (p.Glu1912Lys)

Gene: RYR1 (ryanodine receptor 1; plus strand). Cytogenetic location: 19q13.2.
Variant type: single nucleotide variant.
Coding change: c.5734G>A on transcript NM_000540.3 (MANE Select); coding-DNA position 5734, G replaced by A.
Protein change: p.Glu1912Lys; replaces glutamic acid 1912 with lysine.
Molecular consequence: missense variant.
Genome position (GRCh38, 1-based): chr19:38,489,363, G>A. VCF-style: chr19-38489363-G-A. GRCh37 (hg19) VCF-style: chr19-38980003-G-A.
Other names: c.5734G>A, p.Glu1912Lys (NM_001042723.2); short protein forms E1912K.
Identifiers: ClinVar variation 4759113 (VCV004759113.1).

ClinVar aggregate classification (germline): Uncertain significance (1 of 4 stars; one submission).

Conditions:
Malignant hyperthermia, susceptibility to, 1 (MHS1). Also called: RYR1-Related Malignant Hyperthermia Susceptibility; Malignant hyperthermia suceptibility 1; Anesthesia related hyperthermia; Malignant hyperpyrexia; Fulminating hyperpyrexia; Pharmacogenic myopathy. Identifiers: Orphanet 423, MedGen C2930980, MONDO:0007783, OMIM 145600.

Submission:

Color Diagnostics, LLC DBA Color Health
Classification: Uncertain significance for Malignant hyperthermia, susceptibility to, 1. Last evaluated: 2025-08-04. Review status: criteria provided, single submitter. Criteria: ACMG Guidelines, 2015. Collection method: clinical testing. Allele origin: germline.
Comment: This missense variant replaces glutamic acid with lysine at codon 1912 of the RYR1 protein. Computational prediction suggests that this variant may not impact protein structure and function. To our knowledge, functional studies have not been reported for this variant. This variant has not been reported in individuals affected with RYR1-related disorders in the literature. This variant has not been identified in the general population by the Genome Aggregation Database (gnomAD). The available evidence is insufficient to determine the role of this variant in disease conclusively. Therefore, this variant is classified as a Variant of Uncertain Significance.